The following is an entry in ClinVar:

ClinVar aggregate classification (germline): Uncertain significance. Review status: criteria provided, multiple submitters, no conflicts (2 of 4 stars). 2 submissions from 2 submitters: Uncertain significance (2). Last evaluated 2024-08-14.

Conditions:
Inborn genetic diseases. Identifiers: MedGen C0950123, MeSH D030342.

Allele frequency attached by ClinVar (database versions not stated): gnomAD exomes below 0.00001; gnomAD 0.00001; TOPMed 0.00001.

Submissions (2):

Ambry Genetics
Classification: Uncertain significance for Inborn genetic diseases. Last evaluated: 2024-08-14. Review status: criteria provided, single submitter. Criteria: Ambry Variant Classification Scheme 2023. Collection method: clinical testing. Allele origin: germline.

Labcorp Genetics (formerly Invitae), Labcorp
Classification: Uncertain significance. Last evaluated: 2023-09-10. Review status: criteria provided, single submitter. Criteria: Invitae Variant Classification Sherloc (09022015). Collection method: clinical testing. Allele origin: germline.
Comment: In summary, the available evidence is currently insufficient to determine the role of this variant in disease. Therefore, it has been classified as a Variant of Uncertain Significance. Advanced modeling of protein sequence and biophysical properties (such as structural, functional, and spatial information, amino acid conservation, physicochemical variation, residue mobility, and thermodynamic stability) performed at Invitae indicates that this missense variant is not expected to disrupt SRCAP protein function. This variant has not been reported in the literature in individuals affected with SRCAP-related conditions. This variant is not present in population databases (gnomAD no frequency). This sequence change replaces serine, which is neutral and polar, with asparagine, which is neutral and polar, at codon 518 of the SRCAP protein (p.Ser518Asn).

NM_006662.3(SRCAP):c.1553G>A (p.Ser518Asn)

Gene: SRCAP (Snf2 related CREBBP activator protein; plus strand). Cytogenetic location: 16p11.2.
Variant type: single nucleotide variant.
Coding change: c.1553G>A on transcript NM_006662.3 (MANE Select); coding-DNA position 1553, G replaced by A.
Protein change: p.Ser518Asn; replaces serine 518 with asparagine.
Molecular consequence: missense variant.
Genome position (GRCh38, 1-based): chr16:30,711,895, G>A. VCF-style: chr16-30711895-G-A. GRCh37 (hg19) VCF-style: chr16-30723216-G-A.
Other names: c.1553G>A (NM_006662.2); short protein forms S518N.
Identifiers: ClinVar variation 2881595 (VCV002881595.4), dbSNP rs1036576370, ClinGen allele CA280506068.